The following is an entry in ClinVar:

NM_000330.4(RS1):c.11A>G (p.Lys4Arg)

Gene: RS1 (retinoschisin 1; minus strand). Cytogenetic location: Xp22.13.
Variant type: single nucleotide variant.
Coding change: c.11A>G on transcript NM_000330.4 (MANE Select); coding-DNA position 11, A replaced by G.
Protein change: p.Lys4Arg; replaces lysine 4 with arginine.
Molecular consequence: missense variant.
Genome position (GRCh38, 1-based): chrX:18,672,058, T>C on the plus strand (A>G on the coding strand, the complement: RS1 is on the minus strand). VCF-style: chrX-18672058-T-C. GRCh37 (hg19) VCF-style: chrX-18690178-T-C.
Other names: short protein forms K4R.
Identifiers: ClinVar variation 1976225 (VCV001976225.5), dbSNP rs2518947228, ClinGen allele CA412379244.
Genomic context (GRCh38, chrX:18,672,058, plus strand): 5'-ATGGTTGAATAGCACATACCTTCATAGCCAAAGAGAAGTAATAACAAAAAGCCTTCTATC[T>C]TGCGTGACATCTTCCCCTCGTCCTCGGCCAAAGCTCTACCTTACTGAACTGGAGAGCTGG-3'
Protein context (NP_000321.1, residues 1-14): MSR[Lys4Arg]IEGFLLLLLF

ClinVar aggregate classification (germline): Uncertain significance (1 of 4 stars; one submission).

Submission:

Labcorp Genetics (formerly Invitae), Labcorp
Classification: Uncertain significance. Last evaluated: 2022-08-09. Review status: criteria provided, single submitter. Criteria: Invitae Variant Classification Sherloc (09022015). Collection method: clinical testing. Allele origin: germline.
Comment: In summary, the available evidence is currently insufficient to determine the role of this variant in disease. Therefore, it has been classified as a Variant of Uncertain Significance. Advanced modeling of protein sequence and biophysical properties (such as structural, functional, and spatial information, amino acid conservation, physicochemical variation, residue mobility, and thermodynamic stability) performed at Invitae indicates that this missense variant is not expected to disrupt RS1 protein function. This variant has not been reported in the literature in individuals affected with RS1-related conditions. This variant is not present in population databases (gnomAD no frequency). This sequence change replaces lysine, which is basic and polar, with arginine, which is basic and polar, at codon 4 of the RS1 protein (p.Lys4Arg).